The following is an entry in ClinVar:

NM_015178.3(RHOBTB2):c.1059G>C (p.Glu353Asp)

Gene: RHOBTB2 (Rho related BTB domain containing 2; plus strand). Cytogenetic location: 8p21.3.
Variant type: single nucleotide variant.
Coding change: c.1059G>C on transcript NM_015178.3 (MANE Select); coding-DNA position 1059, G replaced by C.
Protein change: p.Glu353Asp; replaces glutamic acid 353 with aspartic acid.
Molecular consequence: missense variant.
Genome position (GRCh38, 1-based): chr8:23,007,304, G>C. VCF-style: chr8-23007304-G-C. GRCh37 (hg19) VCF-style: chr8-22864817-G-C.
Other names: c.1125G>C, p.Glu375Asp (NM_001160036.2); c.1080G>C, p.Glu360Asp (NM_001160037.2); c.1059G>C, p.Glu353Asp (NM_001374791.1); short protein forms E375D, E360D, E353D.
Identifiers: ClinVar variation 3694587 (VCV003694587.2).

ClinVar aggregate classification (germline): Uncertain significance (1 of 4 stars; one submission).

Submission:

Labcorp Genetics (formerly Invitae), Labcorp
Classification: Uncertain significance. Last evaluated: 2024-04-25. Review status: criteria provided, single submitter. Criteria: Invitae Variant Classification Sherloc (09022015). Collection method: clinical testing. Allele origin: germline.
Comment: This sequence change replaces glutamic acid, which is acidic and polar, with aspartic acid, which is acidic and polar, at codon 375 of the RHOBTB2 protein (p.Glu375Asp). This variant is not present in population databases (gnomAD no frequency). This variant has not been reported in the literature in individuals affected with RHOBTB2-related conditions. Algorithms developed to predict the effect of missense changes on protein structure and function output the following: SIFT: "Not Available"; PolyPhen-2: "Benign"; Align-GVGD: "Not Available". The aspartic acid amino acid residue is found in multiple mammalian species, which suggests that this missense change does not adversely affect protein function. In summary, the available evidence is currently insufficient to determine the role of this variant in disease. Therefore, it has been classified as a Variant of Uncertain Significance.